The following is an entry in ClinVar:

ClinVar aggregate classification (germline): Conflicting classifications of pathogenicity. Review status: criteria provided, conflicting classifications (1 of 4 stars). 5 submissions from 5 submitters: Pathogenic (1); Likely pathogenic (2); Uncertain significance (1). 1 of the submissions does not count toward it. Last evaluated 2026-01-22.

Conditions:
Laryngo-onycho-cutaneous syndrome (JEB2C). Also called: LOGIC SYNDROME; EPIDERMOLYSIS BULLOSA, JUNCTIONAL 2C, LARYNGOONYCHOCUTANEOUS; SHABBIR SYNDROME. Identifiers: Orphanet 2407, MedGen C1328355, MONDO:0009513, OMIM 245660.
Epidermolysis bullosa, junctional 2A, intermediate. Also called: EPIDERMOLYSIS BULLOSA, JUNCTIONAL 2A, GENERALIZED INTERMEDIATE; EPIDERMOLYSIS BULLOSA, JUNCTIONAL 2A, NON-HERLITZ TYPE. Identifiers: MedGen C5676936, MONDO:0030746, OMIM 619783.
Epidermolysis bullosa, junctional 2B, severe. Also called: EPIDERMOLYSIS BULLOSA, JUNCTIONAL 2B, GENERALIZED SEVERE; EPIDERMOLYSIS BULLOSA, JUNCTIONAL 2B, HERLITZ TYPE. Identifiers: MedGen C5676937, MONDO:0030747, OMIM 619784.
LAMA3-related disorder. Also called: LAMA3-related disorders; LAMA3-related condition.

Allele frequency attached by ClinVar (database versions not stated): ESP Exome Variant Server 0.00025; 1000 Genomes Project 0.00040; ExAC 0.00080; TOPMed 0.00027; 1000 Genomes Project 30x 0.00031; gnomAD 0.00032.
gnomAD v4.1: 422 of 1,188,544 alleles (0.036%); highest among the groups gnomAD compares: South Asian, 0.093%; 1 homozygote.

Submissions (5):

Dasa
Classification: Uncertain significance. Last evaluated: 2026-01-22. Review status: criteria provided, single submitter. Criteria: DASA Assertion Criteria. Collection method: clinical testing. Allele origin: germline.
Comment: NM_001302996.2(LAMA3):c.1324C>T (p.Arg442*) is a nonsense variant in LAMA3 predicted to introduce a premature termination codon. This variant is rare in population databases. The currently available literature and clinical evidence are not sufficient to establish a definitive association between this variant and the reported condition. Therefore, this variant is classified as a variant of uncertain significance.

First Genomix Gene Laboratory, Genetic Diagnostics Department
Classification: Likely pathogenic for Epidermolysis bullosa, junctional 2A, intermediate; Epidermolysis bullosa, junctional 2B, severe; Laryngo-onycho-cutaneous syndrome. Last evaluated: 2025-04-15. Review status: criteria provided, single submitter. Criteria: ACMG Guidelines, 2015. Collection method: clinical testing. Allele origin: germline. Inheritance: Autosomal recessive inheritance. Affected: no. Observed: 1 variant allele.

Laboratory of Medical Genetics, National & Kapodistrian University of Athens
Classification: Pathogenic for Epidermolysis bullosa, junctional 2A, intermediate. Last evaluated: 2024-02-01. Review status: criteria provided, single submitter. Criteria: ACMG Guidelines, 2015. Collection method: curation. Allele origin: germline. Affected: no.

Kariminejad - Najmabadi Pathology & Genetics Center
Classification: Likely pathogenic for Epidermolysis bullosa, junctional 2B, severe. Review status: criteria provided, single submitter. Criteria: ACMG Guidelines, 2015. Collection method: clinical testing. Allele origin: germline. Affected: no.

PreventionGenetics, part of Exact Sciences
Classification: Likely benign for LAMA3-related condition. Last evaluated: 2019-05-28. Review status: no assertion criteria provided. Collection method: clinical testing. Allele origin: germline. Not counted in ClinVar's aggregate classification.
Comment: This variant is classified as likely benign based on ACMG/AMP sequence variant interpretation guidelines (Richards et al. 2015 PMID: 25741868, with internal and published modifications).

NM_198129.4(LAMA3):c.1273+51C>T

Gene: LAMA3 (laminin subunit alpha 3; plus strand). Cytogenetic location: 18q11.2.
Variant type: single nucleotide variant.
Coding change: c.1273+51C>T on transcript NM_198129.4 (MANE Select); 51 bases into the intron after coding-DNA position 1273, C replaced by T.
Molecular consequence: intron variant. On other transcripts: nonsense (1).
Genome position (GRCh38, 1-based): chr18:23,773,638, C>T. VCF-style: chr18-23773638-C-T. GRCh37 (hg19) VCF-style: chr18-21353602-C-T.
Other names: c.1324C>T, p.Arg442Ter (NM_001302996.2); c.1273+51C>T (NM_001127717.4); short protein forms R442*.
Identifiers: ClinVar variation 3039514 (VCV003039514.6), dbSNP rs187997925, ClinGen allele CA8914539.